The following is an entry in ClinVar:

NM_000429.3(MAT1A):c.1066C>T (p.Arg356Trp)

Gene: MAT1A (methionine adenosyltransferase 1A; minus strand). Cytogenetic location: 10q22.3.
Variant type: single nucleotide variant.
Coding change: c.1066C>T on transcript NM_000429.3 (MANE Select); coding-DNA position 1066, C replaced by T.
Protein change: p.Arg356Trp; replaces arginine 356 with tryptophan.
Molecular consequence: missense variant.
Genome position (GRCh38, 1-based): chr10:80,274,539, G>A on the plus strand (C>T on the coding strand, the complement: MAT1A is on the minus strand). VCF-style: chr10-80274539-G-A. GRCh37 (hg19) VCF-style: chr10-82034295-G-A.
Other names: short protein forms R356W.
Identifiers: ClinVar variation 834512 (VCV000834512.9), dbSNP rs116659053, ClinGen allele CA5576622.

ClinVar aggregate classification (germline): Pathogenic. Review status: criteria provided, multiple submitters, no conflicts (2 of 4 stars). 2 submissions from 2 submitters: Pathogenic (2). Last evaluated 2024-06-12.

Conditions:
Hepatic methionine adenosyltransferase deficiency. Also called: MAT I/III DEFICIENCY; Methionine adenosyltransferase deficiency; Deficiency of methionine adenosyltransferase; Isolated Persistent Hypermethioninemia. Identifiers: Orphanet 168598, MedGen C0268621, MeSH C564683, MONDO:0009607, OMIM 250850.

Allele frequency attached by ClinVar (database versions not stated): gnomAD exomes below 0.00001; ExAC 0.00001; TOPMed 0.00002; 1000 Genomes Project 30x 0.00016; 1000 Genomes Project 0.00020.
gnomAD v4.1: 3 of 1,614,210 alleles (0.00019%); highest among the groups gnomAD compares: African/African-American, 0.0013%; no homozygotes.

Submissions (2):

Labcorp Genetics (formerly Invitae), Labcorp
Classification: Pathogenic for Hepatic methionine adenosyltransferase deficiency. Last evaluated: 2024-06-12. Review status: criteria provided, single submitter. Criteria: Invitae Variant Classification Sherloc (09022015). Collection method: clinical testing. Allele origin: germline.
Comment: This sequence change replaces arginine, which is basic and polar, with tryptophan, which is neutral and slightly polar, at codon 356 of the MAT1A protein (p.Arg356Trp). This variant is present in population databases (rs116659053, gnomAD 0.007%). This missense change has been observed in individual(s) with autosomal recessive hypermethioninemia (PMID: 20675163, 30389272). ClinVar contains an entry for this variant (Variation ID: 834512). Advanced modeling of protein sequence and biophysical properties (such as structural, functional, and spatial information, amino acid conservation, physicochemical variation, residue mobility, and thermodynamic stability) performed at Invitae indicates that this missense variant is expected to disrupt MAT1A protein function with a positive predictive value of 80%. Experimental studies have shown that this missense change affects MAT1A function (PMID: 20675163). This variant disrupts the p.Arg356 amino acid residue in MAT1A. Other variant(s) that disrupt this residue have been observed in individuals with MAT1A-related conditions (PMID: 8770875, 20675163), which suggests that this may be a clinically significant amino acid residue. For these reasons, this variant has been classified as Pathogenic.

Clinical Genetics Service, Universitary Hospital 12 de Octubre
Classification: Pathogenic for Hepatic methionine adenosyltransferase deficiency. Review status: criteria provided, single submitter. Criteria: ACMG Guidelines, 2015. Collection method: clinical testing. Allele origin: germline. Affected: yes.

Literature cited by the submitters: PubMed 20675163 (cited by Labcorp Genetics (formerly Invitae), Labcorp); PubMed 30389272 (cited by Labcorp Genetics (formerly Invitae), Labcorp); PubMed 8770875 (cited by Labcorp Genetics (formerly Invitae), Labcorp).